The following is an entry in ClinVar:

ClinVar aggregate classification (germline): Benign (1 of 4 stars; one submission).

Conditions:
Greenberg dysplasia (GRBGD). Also called: CHONDRODYSTROPHY, HYDROPIC AND PRENATALLY LETHAL TYPE; MOTH-EATEN SKELETAL DYSPLASIA; HEM SKELETAL DYSPLASIA. Identifiers: Orphanet 1426, MedGen C2931048, MONDO:0008974, OMIM 215140.

Allele frequency attached by ClinVar (database versions not stated): gnomAD exomes 0.00231; 1000 Genomes Project 30x 0.00656; gnomAD 0.00711 and 0.00737; TOPMed 0.00711; 1000 Genomes Project 0.00779.
gnomAD v4.1: 1,145 of 152,718 alleles (0.75%); highest among the groups gnomAD compares: South Asian, 1.7%; 10 homozygotes.

Submission:

Illumina Laboratory Services, Illumina
Classification: Benign for Greenberg dysplasia. Last evaluated: 2018-01-13. Review status: criteria provided, single submitter. Criteria: ICSL Variant Classification Criteria 13 December 2019. Collection method: clinical testing. Allele origin: germline.
Comment: This variant was observed in the ICSL laboratory as part of a predisposition screen in an ostensibly healthy population. It had not been previously curated by ICSL or reported in the Human Gene Mutation Database (HGMD: prior to June 1st, 2018), and was therefore a candidate for classification through an automated scoring system. Utilizing variant allele frequency, disease prevalence and penetrance estimates, and inheritance mode, an automated score was calculated to assess if this variant is too frequent to cause the disease. Based on the score and internal cut-off values, a variant classified as benign is not then subjected to further curation. The score for this variant resulted in a classification of benign for this disease.

NM_002296.4(LBR):c.*769A>T

Gene: LBR (lamin B receptor; minus strand). Cytogenetic location: 1q42.12.
Variant type: single nucleotide variant.
Coding change: c.*769A>T on transcript NM_002296.4 (MANE Select); 769 bases downstream of the stop codon, A replaced by T.
Molecular consequence: 3 prime UTR variant.
Genome position (GRCh38, 1-based): chr1:225,402,534, T>A on the plus strand (A>T on the coding strand, the complement: LBR is on the minus strand). VCF-style: chr1-225402534-T-A. GRCh37 (hg19) VCF-style: chr1-225590236-T-A.
Other names: c.*769A>T (NM_194442.3).
Identifiers: ClinVar variation 295923 (VCV000295923.5), dbSNP rs75904736, ClinGen allele CA10609338.